The following is an entry in ClinVar:

ClinVar aggregate classification (germline): Uncertain significance. Review status: criteria provided, multiple submitters, no conflicts (2 of 4 stars). 4 submissions from 4 submitters: Uncertain significance (4). Last evaluated 2025-02-07.

Conditions:
Joubert syndrome. Also called: Familial aplasia of the vermis; JOUBERT-BOLTSHAUSER SYNDROME. Identifiers: Orphanet 475, MedGen C5979921, MONDO:0018772.
Nephronophthisis. Also called: Juvenile Nephronophthisis. Identifiers: Orphanet 655, MedGen C0687120, MONDO:0019005, HP:0000090.
Meckel-Gruber syndrome. Also called: DYSENCEPHALIA SPLANCHNOCYSTICA; GRUBER SYNDROME; Dysencephalia splachnocystica. Identifiers: Orphanet 564, MedGen C0265215, MONDO:0018921.
CEP290-related disorder. Also called: CEP290-related disorders; CEP290-related condition. Identifiers: MedGen CN239314.
Bardet-Biedl syndrome 14 (BBS14). Identifiers: Orphanet 110, MedGen C2673874, MONDO:0014442, OMIM 615991.
Meckel syndrome, type 4 (MKS4). Also called: MECKEL-GRUBER SYNDROME, TYPE 4. Identifiers: Orphanet 564, MedGen C1970161, MONDO:0012626, OMIM 611134.
Senior-Loken syndrome 6 (SLSN6). Identifiers: Orphanet 3156, MedGen C1857779, MONDO:0012433, OMIM 610189.
Leber congenital amaurosis 10 (LCA10). Identifiers: Orphanet 65, MedGen C1857821, MONDO:0012723, OMIM 611755.
Joubert syndrome 5 (JBTS5). Identifiers: Orphanet 2318, MedGen C1857780, MONDO:0012432, OMIM 610188.

Allele frequency attached by ClinVar (database versions not stated): gnomAD exomes below 0.00001; ExAC 0.00001; gnomAD 0.00002; TOPMed 0.00002.
gnomAD v4.1: 4 of 1,612,812 alleles (0.00025%); highest among the groups gnomAD compares: African/African-American, 0.004%; no homozygotes.

Submissions (4):

PreventionGenetics, part of Exact Sciences
Classification: Uncertain significance for CEP290-related condition. Last evaluated: 2025-02-07. Review status: criteria provided, single submitter. Criteria: ACMG Guidelines, 2015. Collection method: clinical testing. Allele origin: germline.
Comment: The CEP290 c.3238T>G variant is predicted to result in the amino acid substitution p.Tyr1080Asp. To our knowledge, this variant has not been reported in the literature. This variant is reported in 0.0065% of alleles in individuals of African descent in gnomAD. At this time, the clinical significance of this variant is uncertain due to the absence of conclusive functional and genetic evidence.

Labcorp Genetics (formerly Invitae), Labcorp
Classification: Uncertain significance for Joubert syndrome; Meckel-Gruber syndrome; Nephronophthisis. Last evaluated: 2022-10-17. Review status: criteria provided, single submitter. Criteria: Invitae Variant Classification Sherloc (09022015). Collection method: clinical testing. Allele origin: germline.
Comment: This sequence change replaces tyrosine, which is neutral and polar, with aspartic acid, which is acidic and polar, at codon 1080 of the CEP290 protein (p.Tyr1080Asp). This variant is not present in population databases (gnomAD no frequency). This variant has not been reported in the literature in individuals affected with CEP290-related conditions. ClinVar contains an entry for this variant (Variation ID: 1021396). Advanced modeling of protein sequence and biophysical properties (such as structural, functional, and spatial information, amino acid conservation, physicochemical variation, residue mobility, and thermodynamic stability) performed at Invitae indicates that this missense variant is expected to disrupt CEP290 protein function. In summary, the available evidence is currently insufficient to determine the role of this variant in disease. Therefore, it has been classified as a Variant of Uncertain Significance.

GeneDx
Classification: Uncertain significance. Last evaluated: 2022-05-06. Review status: criteria provided, single submitter. Criteria: GeneDx Variant Classification Process June 2021. Collection method: clinical testing. Allele origin: germline. Affected: yes.
Comment: Not observed at significant frequency in large population cohorts (gnomAD); In silico analysis supports that this missense variant has a deleterious effect on protein structure/function; Has not been previously published as pathogenic or benign to our knowledge

Fulgent Genetics
Classification: Uncertain significance for Joubert syndrome 5; Senior-Loken syndrome 6; Meckel syndrome, type 4; Leber congenital amaurosis 10; Bardet-Biedl syndrome 14. Last evaluated: 2022-05-05. Review status: criteria provided, single submitter. Criteria: ACMG Guidelines, 2015. Collection method: clinical testing. Allele origin: unknown.

NM_025114.4(CEP290):c.3238T>G (p.Tyr1080Asp)

Gene: CEP290 (centrosomal protein 290; minus strand). Cytogenetic location: 12q21.32.
Variant type: single nucleotide variant.
Coding change: c.3238T>G on transcript NM_025114.4 (MANE Select); coding-DNA position 3238, T replaced by G.
Protein change: p.Tyr1080Asp; replaces tyrosine 1080 with aspartic acid.
Molecular consequence: missense variant.
Genome position (GRCh38, 1-based): chr12:88,093,841, A>C on the plus strand (T>G on the coding strand, the complement: CEP290 is on the minus strand). VCF-style: chr12-88093841-A-C. GRCh37 (hg19) VCF-style: chr12-88487618-A-C.
Other names: short protein forms Y1080D.
Identifiers: ClinVar variation 1021396 (VCV001021396.10), dbSNP rs750466529, ClinGen allele CA6712190.